The following is an entry in ClinVar:

ClinVar aggregate classification (germline): Uncertain significance. Review status: criteria provided, multiple submitters, no conflicts (2 of 4 stars). 3 submissions from 3 submitters: Uncertain significance (2). 1 of the submissions does not count toward it. Last evaluated 2024-09-23.

Conditions:
Wilson disease (WND). Also called: Wilson's disease. Identifiers: Orphanet 905, MedGen C0019202, MONDO:0010200, OMIM 277900. Disease mechanism: loss of function.

Allele frequency attached by ClinVar (database versions not stated): ExAC 0.00001; gnomAD exomes 0.00001.
gnomAD v4.1: 3 of 1,613,590 alleles (0.00019%); highest among the groups gnomAD compares: Middle Eastern, 0.016%; no homozygotes.

Submissions (3):

All of Us Research Program, National Institutes of Health
Classification: Uncertain significance for Wilson disease. Last evaluated: 2024-09-23. Review status: criteria provided, single submitter. Criteria: ACMG Guidelines, 2015. Collection method: clinical testing. Allele origin: germline. Inheritance: Autosomal recessive inheritance. Observed: 2 variant alleles, 2 heterozygotes.
Comment: This missense variant replaces leucine with valine at codon 1368 of the ATP7B protein. Computational prediction is inconclusive regarding the impact of this variant on protein structure and function (internally defined REVEL score threshold 0.5 < inconclusive < 0.7, PMID: 27666373). To our knowledge, functional studies have not been reported for this variant. This variant has not been reported in individuals affected with Wilson disease in the literature. This variant has been identified in 2/246908 chromosomes in the general population by the Genome Aggregation Database (gnomAD). The available evidence is insufficient to determine the role of this variant in disease conclusively. Therefore, this variant is classified as a Variant of Uncertain Significance.

This study involves interpretation of variants in research participants for the purpose of population health screening. Participant phenotype was not available at the time of variant classification. Additional details can be found in publication PMID: 35346344, PMCID: PMC8962531

Labcorp Genetics (formerly Invitae), Labcorp
Classification: Uncertain significance for Wilson disease. Last evaluated: 2022-06-21. Review status: criteria provided, single submitter. Criteria: Invitae Variant Classification Sherloc (09022015). Collection method: clinical testing. Allele origin: germline.
Comment: This sequence change replaces leucine, which is neutral and non-polar, with valine, which is neutral and non-polar, at codon 1368 of the ATP7B protein (p.Leu1368Val). The frequency data for this variant in the population databases is considered unreliable, as metrics indicate poor data quality at this position in the gnomAD database. This variant has not been reported in the literature in individuals affected with ATP7B-related conditions. ClinVar contains an entry for this variant (Variation ID: 577265). Algorithms developed to predict the effect of missense changes on protein structure and function are either unavailable or do not agree on the potential impact of this missense change (SIFT: "Tolerated"; PolyPhen-2: "Probably Damaging"; Align-GVGD: "Class C0"). In summary, the available evidence is currently insufficient to determine the role of this variant in disease. Therefore, it has been classified as a Variant of Uncertain Significance.

Natera, Inc.
Classification: Uncertain significance for Wilson disease. Last evaluated: 2019-10-28. Review status: no assertion criteria provided. Collection method: clinical testing. Allele origin: germline. Not counted in ClinVar's aggregate classification.

NM_000053.4(ATP7B):c.4102C>G (p.Leu1368Val)

Gene: ATP7B (ATPase copper transporting beta; minus strand). Cytogenetic location: 13q14.3.
Variant type: single nucleotide variant.
Coding change: c.4102C>G on transcript NM_000053.4 (MANE Select); coding-DNA position 4102, C replaced by G.
Protein change: p.Leu1368Val; replaces leucine 1368 with valine.
Molecular consequence: missense variant.
Genome position (GRCh38, 1-based): chr13:51,935,615, G>C on the plus strand (C>G on the coding strand, the complement: ATP7B is on the minus strand). VCF-style: chr13-51935615-G-C. GRCh37 (hg19) VCF-style: chr13-52509751-G-C.
Other names: c.3769C>G, p.Leu1257Val (NM_001243182.2); c.3868C>G, p.Leu1290Val (NM_001330578.2); c.3850C>G, p.Leu1284Val (NM_001330579.2); c.3481C>G, p.Leu1161Val (NM_001005918.3); short protein forms L1368V, L1161V, L1284V, L1257V, L1290V.
Identifiers: ClinVar variation 577265 (VCV000577265.8), dbSNP rs768467658, ClinGen allele CA6988491.